The following is an entry in ClinVar:

ClinVar aggregate classification (germline): Uncertain significance (1 of 4 stars; one submission).

Conditions:
Familial hemophagocytic lymphohistiocytosis 5. Also called: STXBP2-Related Familial Hemophagocytic Lymphohistiocytosis (STXBP2-fHLH). Identifiers: Orphanet 540, MedGen C2751293, MONDO:0013135, OMIM 613101.

Allele frequency attached by ClinVar (database versions not stated): gnomAD exomes 0.00001.
gnomAD v4.1: 8 of 1,614,166 alleles (0.0005%); highest among the groups gnomAD compares: Non-Finnish European, 0.00068%; no homozygotes.

Submission:

Labcorp Genetics (formerly Invitae), Labcorp
Classification: Uncertain significance for Familial hemophagocytic lymphohistiocytosis 5. Last evaluated: 2022-02-04. Review status: criteria provided, single submitter. Criteria: Invitae Variant Classification Sherloc (09022015). Collection method: clinical testing. Allele origin: germline.
Comment: This sequence change replaces glutamic acid, which is acidic and polar, with lysine, which is basic and polar, at codon 224 of the STXBP2 protein (p.Glu224Lys). This variant is not present in population databases (gnomAD no frequency). This variant has not been reported in the literature in individuals affected with STXBP2-related conditions. Algorithms developed to predict the effect of missense changes on protein structure and function are either unavailable or do not agree on the potential impact of this missense change (SIFT: "Deleterious"; PolyPhen-2: "Possibly Damaging"; Align-GVGD: "Class C0"). In summary, the available evidence is currently insufficient to determine the role of this variant in disease. Therefore, it has been classified as a Variant of Uncertain Significance.

NM_006949.4(STXBP2):c.670G>A (p.Glu224Lys)

Gene: STXBP2 (syntaxin binding protein 2; plus strand). Cytogenetic location: 19p13.2.
Variant type: single nucleotide variant.
Coding change: c.670G>A on transcript NM_006949.4 (MANE Select); coding-DNA position 670, G replaced by A.
Protein change: p.Glu224Lys; replaces glutamic acid 224 with lysine.
Molecular consequence: missense variant. On other transcripts: non-coding transcript variant (1).
Genome position (GRCh38, 1-based): chr19:7,642,209, G>A. VCF-style: chr19-7642209-G-A. GRCh37 (hg19) VCF-style: chr19-7707095-G-A.
Other names: c.661G>A, p.Glu221Lys (NM_001127396.3); c.703G>A, p.Glu235Lys (NM_001272034.2); short protein forms E224K, E221K, E235K.
Identifiers: ClinVar variation 1423282 (VCV001423282.3), dbSNP rs2146217637, ClinGen allele CA403158717.